The following is an entry in ClinVar:

ClinVar aggregate classification (germline): Benign. Review status: reviewed by expert panel (3 of 4 stars). 11 submissions from 9 submitters: Benign (1). 10 of the submissions do not count toward it. Last evaluated 2024-07-09.

Conditions:
Hereditary von Willebrand disease. Identifiers: Orphanet 903, MedGen C5703318, MONDO:0019565. Inheritance: Autosomal recessive or Autosomal dominant.
von Willebrand disease type 2 (VWD2). Also called: VWD, TYPE 2; VON WILLEBRAND DISEASE, TYPE 2A/IIE; VON WILLEBRAND DISEASE, TYPE 2CB; VON WILLEBRAND DISEASE, TYPE II. Identifiers: Orphanet 166081, Orphanet 903, MedGen C1264040, MONDO:0013304, OMIM 613554.
von Willebrand disease type 3 (VWD3). Also called: Type 3 Von Willebrand's disease; Type 3 VWD; Von Willebrand disease, severe form; V WD3; VON WILLEBRAND DISEASE, TYPE III. Identifiers: Orphanet 166096, MedGen C1264041, MONDO:0010191, OMIM 277480.
von Willebrand disease type 1 (VWD1). Also called: VWD, TYPE 1; VON WILLEBRAND DISEASE, TYPE I. Identifiers: Orphanet 166078, Orphanet 903, MedGen C1264039, MONDO:0008668, OMIM 193400. Inheritance: autosomal recessive or autosomal dominant.

Allele frequency attached by ClinVar (database versions not stated): gnomAD exomes 0.01415; ExAC 0.01751; gnomAD 0.05304 and 0.05696; TOPMed 0.05872; 1000 Genomes Project 0.05950; ESP Exome Variant Server 0.06182; 1000 Genomes Project 30x 0.06512.
gnomAD v4.1: 16,071 of 1,614,106 alleles (1%); highest among the groups gnomAD compares: African/African-American, 18%; 1,298 homozygotes.

Submissions (11):

ClinGen von Willebrand Disease Variant Curation Expert Panel, ClinGen
Classification: Benign for Hereditary von Willebrand disease. Last evaluated: 2024-07-09. Review status: reviewed by expert panel. Criteria: ClinGen VWD 2A B M Rules. Collection method: curation. Allele origin: germline.
Comment: NM_000552.5(VWF):c.2220G>A is a missense variant that replaces methionine with isoleucine at position 740. The Grpmax filtering allele frequency in gnomAD v4.1 is 0.1791 (based on 13626/75022 alleles in the African/African-American population), which is higher than the ClinGen VWD VCEP threshold (>0.1) for BA1, and therefore meets this criterion (BA1). This variant has been observed in multiple VWD Type 2M probands in cis with the NM_000552.5(VWF):c.3614G>A (p.Arg1205His) variant, with the phase of the variants confirmed by family segregation analysis (PMID: 10959712). This second variant has been classified Pathogenic for VWD Type 2M by the ClinGen VWD VCEP (BP2). The computational predictor REVEL gives a score of 0.059, which is below the ClinGen VWD VCEP threshold of <0.290 and does not predict a damaging effect on VWF function (BP4). Additionally, the computational splicing predictor SpliceAI indicated that the variant has no impact on splicing. In summary, this variant meets the criteria to be classified as Likely Benign for hereditary von Willebrand disease based on the ACMG/AMP criteria applied, as specified by the ClinGen VWD VCEP: BA1, BP4.

Mayo Clinic Laboratories, Mayo Clinic
Classification: Benign. Last evaluated: 2022-12-15. Review status: criteria provided, single submitter. Criteria: ACMG Guidelines, 2015. Collection method: clinical testing. Allele origin: germline. Observed: 24 variant alleles. Not counted in ClinVar's aggregate classification.
Comment: BA1, BS2, BP2, BP4

Quest Diagnostics Nichols Institute San Juan Capistrano
Classification: Benign. Last evaluated: 2022-05-09. Review status: criteria provided, single submitter. Criteria: Quest Diagnostics criteria. Collection method: clinical testing. Allele origin: unknown. Not counted in ClinVar's aggregate classification.

Genome-Nilou Lab
Classification: Benign for von Willebrand disease type 1. Last evaluated: 2021-12-05. Review status: criteria provided, single submitter. Criteria: ACMG Guidelines, 2015. Collection method: clinical testing. Allele origin: germline. Affected: no. Not counted in ClinVar's aggregate classification.

Genome-Nilou Lab
Classification: Benign for von Willebrand disease type 3. Last evaluated: 2021-12-05. Review status: criteria provided, single submitter. Criteria: ACMG Guidelines, 2015. Collection method: clinical testing. Allele origin: germline. Affected: no. Not counted in ClinVar's aggregate classification.

Genome-Nilou Lab
Classification: Benign for von Willebrand disease type 2. Last evaluated: 2021-12-05. Review status: criteria provided, single submitter. Criteria: ACMG Guidelines, 2015. Collection method: clinical testing. Allele origin: germline. Affected: no. Not counted in ClinVar's aggregate classification.

ARUP Laboratories, Molecular Genetics and Genomics, ARUP Laboratories
Classification: Benign. Last evaluated: 2020-05-22. Review status: criteria provided, single submitter. Criteria: ARUP Molecular Germline Variant Investigation Process. Collection method: clinical testing. Allele origin: germline. Not counted in ClinVar's aggregate classification.

Eurofins Ntd Llc (ga)
Classification: Benign. Last evaluated: 2014-12-22. Review status: criteria provided, single submitter. Criteria: EGL Classification Definitions 2015. Collection method: clinical testing. Allele origin: germline. Not counted in ClinVar's aggregate classification.

Breakthrough Genomics
Classification: Likely benign. Review status: criteria provided, single submitter. Criteria: ACMG Guidelines, 2015. Collection method: not provided. Allele origin: germline. Inheritance: Autosomal recessive inheritance. Affected: yes. Not counted in ClinVar's aggregate classification.

PreventionGenetics, part of Exact Sciences
Classification: Benign. Review status: criteria provided, single submitter. Criteria: ACMG Guidelines, 2015. Collection method: clinical testing. Allele origin: germline. Not counted in ClinVar's aggregate classification.

Academic Unit of Haematology, University of Sheffield
No classification provided. Review status: no classification provided. Collection method: not provided. Allele origin: not provided. Not counted in ClinVar's aggregate classification.

Literature cited by the submitters: PubMed 10959712 (cited by Quest Diagnostics Nichols Institute San Juan Capistrano); PubMed 22197721 (cited by Quest Diagnostics Nichols Institute San Juan Capistrano and Eurofins Ntd Llc (ga)); PubMed 22431572 (cited by Quest Diagnostics Nichols Institute San Juan Capistrano and Eurofins Ntd Llc (ga)); PubMed 18344424 (cited by Eurofins Ntd Llc (ga)).

NM_000552.5(VWF):c.2220G>A (p.Met740Ile)

Gene: VWF (von Willebrand factor; minus strand). Cytogenetic location: 12p13.31.
Variant type: single nucleotide variant.
Coding change: c.2220G>A on transcript NM_000552.5 (MANE Select); coding-DNA position 2220, G replaced by A.
Protein change: p.Met740Ile; replaces methionine 740 with isoleucine.
Molecular consequence: missense variant.
Genome position (GRCh38, 1-based): chr12:6,046,784, C>T on the plus strand (G>A on the coding strand, the complement: VWF is on the minus strand). VCF-style: chr12-6046784-C-T. GRCh37 (hg19) VCF-style: chr12-6155950-C-T.
Other names: NM_000552.5(VWF):c.2220G>A; c.2220G>A (NM_000552.4); short protein forms M740I.
Identifiers: ClinVar variation 100206 (VCV000100206.22), dbSNP rs2228317, ClinGen allele CA201316.